The following is an entry in ClinVar:

NM_006648.4(WNK2):c.3020C>T (p.Pro1007Leu)

Gene: WNK2 (WNK lysine deficient protein kinase 2; plus strand). Cytogenetic location: 9q22.31.
Variant type: single nucleotide variant.
Coding change: c.3020C>T on transcript NM_006648.4 (MANE Select); coding-DNA position 3020, C replaced by T.
Protein change: p.Pro1007Leu; replaces proline 1007 with leucine.
Molecular consequence: missense variant.
Genome position (GRCh38, 1-based): chr9:93,259,568, C>T. VCF-style: chr9-93259568-C-T. GRCh37 (hg19) VCF-style: chr9-96021850-C-T.
Other names: c.3020C>T, p.Pro1007Leu (NM_001282394.3); short protein forms P1007L.
Identifiers: ClinVar variation 3981649 (VCV003981649.1).

ClinVar aggregate classification (germline): Uncertain significance (1 of 4 stars; one submission).

gnomAD v4.1: 2 of 1,594,402 alleles (0.00013%); highest among the groups gnomAD compares: Non-Finnish European, 0.00017%; no homozygotes.

Submission:

Ambry Genetics
Classification: Uncertain significance. Last evaluated: 2025-03-16. Review status: criteria provided, single submitter. Criteria: Ambry Variant Classification Scheme 2023. Collection method: clinical testing. Allele origin: germline.
Comment: The p.P1007L variant (also known as c.3020C>T), located in coding exon 11 of the WNK2 gene, results from a C to T substitution at nucleotide position 3020. The proline at codon 1007 is replaced by leucine, an amino acid with similar properties. This amino acid position is conserved. In addition, this alteration is predicted to be tolerated by in silico analysis. Based on the available evidence, the clinical significance of this variant remains unclear.